The following is an entry in ClinVar:

NM_006269.2(RP1):c.1166C>A (p.Ala389Glu)

Gene: RP1 (RP1 axonemal microtubule associated; plus strand). Cytogenetic location: 8q12.1.
Variant type: single nucleotide variant.
Coding change: c.1166C>A on transcript NM_006269.2 (MANE Select); coding-DNA position 1166, C replaced by A.
Protein change: p.Ala389Glu; replaces alanine 389 with glutamic acid.
Molecular consequence: missense variant. On other transcripts: intron variant (1).
Genome position (GRCh38, 1-based): chr8:54,625,048, C>A. VCF-style: chr8-54625048-C-A. GRCh37 (hg19) VCF-style: chr8-55537608-C-A.
Other names: c.787+2760C>A (NM_001375654.1); short protein forms A389E.
Identifiers: ClinVar variation 1057746 (VCV001057746.9), dbSNP rs2129315970, ClinGen allele CA370989428.

ClinVar aggregate classification (germline): Uncertain significance (1 of 4 stars; one submission).

Submission:

Labcorp Genetics (formerly Invitae), Labcorp
Classification: Uncertain significance. Last evaluated: 2022-03-09. Review status: criteria provided, single submitter. Criteria: Invitae Variant Classification Sherloc (09022015). Collection method: clinical testing. Allele origin: germline.
Comment: This sequence change replaces alanine, which is neutral and non-polar, with glutamic acid, which is acidic and polar, at codon 389 of the RP1 protein (p.Ala389Glu). This variant is not present in population databases (gnomAD no frequency). This variant has not been reported in the literature in individuals affected with RP1-related conditions. ClinVar contains an entry for this variant (Variation ID: 1057746). Algorithms developed to predict the effect of missense changes on protein structure and function output the following: SIFT: "Tolerated"; PolyPhen-2: "Benign"; Align-GVGD: "Class C0". The glutamic acid amino acid residue is found in multiple mammalian species, which suggests that this missense change does not adversely affect protein function. In summary, the available evidence is currently insufficient to determine the role of this variant in disease. Therefore, it has been classified as a Variant of Uncertain Significance.